The following is an entry in ClinVar:

ClinVar aggregate classification (germline): Uncertain significance. Review status: criteria provided, multiple submitters, no conflicts (2 of 4 stars). 6 submissions from 6 submitters: Uncertain significance (6). Last evaluated 2025-11-04.

Conditions:
Hereditary cancer-predisposing syndrome. Also called: Neoplastic Syndromes, Hereditary; Hereditary Cancer Syndrome; Tumor predisposition; Hereditary neoplastic syndrome. Identifiers: Orphanet 140162, MedGen C0027672, MeSH D009386, MONDO:0015356.
Hereditary nonpolyposis colorectal neoplasms. Identifiers: MedGen C0009405, MeSH D003123.
Lynch syndrome. Identifiers: Orphanet 144, MedGen C4552100, MONDO:0005835. Disease mechanism: loss of function.
Endometrial carcinoma. Also called: Endometrial carcinoma, somatic. Identifiers: MedGen C0476089, MONDO:0002447, OMIM 608089, HP:0012114.

gnomAD v4.1: 1 of 1,614,094 alleles (0.000062%); highest among the groups gnomAD compares: Non-Finnish European, 0.000085%; no homozygotes.

Submissions (6):

Ambry Genetics
Classification: Uncertain significance for Hereditary cancer-predisposing syndrome. Last evaluated: 2025-11-04. Review status: criteria provided, single submitter. Criteria: Ambry Variant Classification Scheme 2023. Collection method: clinical testing. Allele origin: germline.
Comment: The p.L695V variant (also known as c.2083C>G), located in coding exon 4 of the MSH6 gene, results from a C to G substitution at nucleotide position 2083. The leucine at codon 695 is replaced by valine, an amino acid with highly similar properties. This amino acid position is well conserved in available vertebrate species. In addition, the in silico prediction for this alteration is inconclusive. Based on the available evidence, the clinical significance of this variant remains unclear.

Labcorp Genetics (formerly Invitae), Labcorp
Classification: Uncertain significance for Hereditary nonpolyposis colorectal neoplasms. Last evaluated: 2025-01-28. Review status: criteria provided, single submitter. Criteria: Invitae Variant Classification Sherloc (09022015). Collection method: clinical testing. Allele origin: germline.
Comment: This sequence change replaces leucine, which is neutral and non-polar, with valine, which is neutral and non-polar, at codon 695 of the MSH6 protein (p.Leu695Val). This variant is not present in population databases (gnomAD no frequency). This variant has not been reported in the literature in individuals affected with MSH6-related conditions. ClinVar contains an entry for this variant (Variation ID: 928260). Invitae Evidence Modeling of protein sequence and biophysical properties (such as structural, functional, and spatial information, amino acid conservation, physicochemical variation, residue mobility, and thermodynamic stability) has been performed for this missense variant. However, the output from this modeling did not meet the statistical confidence thresholds required to predict the impact of this variant on MSH6 protein function. In summary, the available evidence is currently insufficient to determine the role of this variant in disease. Therefore, it has been classified as a Variant of Uncertain Significance.

Color Diagnostics, LLC DBA Color Health
Classification: Uncertain significance for Hereditary cancer-predisposing syndrome. Last evaluated: 2024-03-07. Review status: criteria provided, single submitter. Criteria: ACMG Guidelines, 2015. Collection method: clinical testing. Allele origin: germline.
Comment: This missense variant replaces leucine with valine at codon 695 of the MSH6 protein. Computational prediction is inconclusive regarding the impact of this variant on protein structure and function (internally defined REVEL score threshold 0.5 < inconclusive < 0.7, PMID: 27666373). To our knowledge, functional studies have not been reported for this variant. This variant has not been reported in individuals affected with MSH6-related disorders in the literature. This variant has not been identified in the general population by the Genome Aggregation Database (gnomAD). The available evidence is insufficient to determine the role of this variant in disease conclusively. Therefore, this variant is classified as a Variant of Uncertain Significance.

Baylor Genetics
Classification: Uncertain significance for Endometrial carcinoma. Last evaluated: 2023-10-10. Review status: criteria provided, single submitter. Criteria: ACMG Guidelines, 2015. Collection method: clinical testing. Allele origin: unknown.

All of Us Research Program, National Institutes of Health
Classification: Uncertain significance for Lynch syndrome. Last evaluated: 2023-05-04. Review status: criteria provided, single submitter. Criteria: ACMG Guidelines, 2015. Collection method: clinical testing. Allele origin: germline. Inheritance: Autosomal dominant inheritance. Observed: 1 variant allele, 1 heterozygote.
Comment: This missense variant replaces leucine with valine at codon 695 of the MSH6 protein. Computational prediction tool is inconclusive regarding the impact of this variant on protein structure and function (internally defined REVEL score threshold 0.5 < inconclusive < 0.7, PMID: 27666373). Splice site prediction tools suggest that this variant may not impact RNA splicing. To our knowledge, functional studies have not been performed for this variant. This variant has not been reported in individuals affected with hereditary cancer in the literature. This variant has not been identified in the general population by the Genome Aggregation Database (gnomAD). The available evidence is insufficient to determine the role of this variant in disease conclusively. Therefore, this variant is classified as a Variant of Uncertain Significance.

This study involves interpretation of variants in research participants for the purpose of population health screening. Participant phenotype was not available at the time of variant classification. Additional details can be found in publication PMID: 35346344, PMCID: PMC8962531

Department of Pathology and Laboratory Medicine, Sinai Health System
Classification: Uncertain significance for Lynch syndrome. Last evaluated: 2022-04-19. Review status: criteria provided, single submitter. Criteria: ACMG Guidelines, 2015. Collection method: clinical testing. Allele origin: germline. Affected: yes.

NM_000179.3(MSH6):c.2083C>G (p.Leu695Val)

Gene: MSH6 (mutS homolog 6; plus strand). Cytogenetic location: 2p16.3.
Variant type: single nucleotide variant.
Coding change: c.2083C>G on transcript NM_000179.3 (MANE Select); coding-DNA position 2083, C replaced by G.
Protein change: p.Leu695Val; replaces leucine 695 with valine.
Molecular consequence: missense variant.
Genome position (GRCh38, 1-based): chr2:47,800,066, C>G. VCF-style: chr2-47800066-C-G. GRCh37 (hg19) VCF-style: chr2-48027205-C-G.
Other names: c.1693C>G, p.Leu565Val (NM_001281492.2); c.1177C>G, p.Leu393Val (NM_001281493.2, NM_001281494.2); short protein forms L393V, L565V, L695V.
Identifiers: ClinVar variation 928260 (VCV000928260.13), dbSNP rs1669418611, ClinGen allele CA346750829.